The following is an entry in ClinVar:

NM_015046.7(SETX):c.3071A>G (p.Asp1024Gly)

Gene: SETX (senataxin; minus strand). Cytogenetic location: 9q34.13.
Variant type: single nucleotide variant.
Coding change: c.3071A>G on transcript NM_015046.7 (MANE Select); coding-DNA position 3071, A replaced by G.
Protein change: p.Asp1024Gly; replaces aspartic acid 1024 with glycine.
Molecular consequence: missense variant.
Genome position (GRCh38, 1-based): chr9:132,328,527, T>C on the plus strand (A>G on the coding strand, the complement: SETX is on the minus strand). VCF-style: chr9-132328527-T-C. GRCh37 (hg19) VCF-style: chr9-135203914-T-C.
Other names: c.3071A>G, p.Asp1024Gly (NM_001351527.2, NM_001351528.2); short protein forms D1024G.
Identifiers: ClinVar variation 4992828 (VCV004992828.1).

ClinVar aggregate classification (germline): Uncertain significance (1 of 4 stars; one submission).

Conditions:
SETX-related disorder. Also called: SETX-related condition; SETX-related disorders. Identifiers: MedGen CN239403.

Submission:

PreventionGenetics, part of Exact Sciences
Classification: Uncertain significance for SETX-related condition. Last evaluated: 2026-06-15. Review status: criteria provided, single submitter. Criteria: ACMG Guidelines, 2015. Collection method: clinical testing. Allele origin: germline.
Comment: The SETX c.3071A>G variant is predicted to result in the amino acid substitution p.Asp1024Gly. To our knowledge, this variant has not been reported in the literature or in a large population database (gnomAD), indicating this variant is rare. At this time, the clinical significance of this variant is uncertain due to the absence of conclusive functional and genetic evidence.